The following is an entry in ClinVar:

ClinVar aggregate classification (germline): Uncertain significance. Review status: criteria provided, multiple submitters, no conflicts (2 of 4 stars). 2 submissions from 2 submitters: Uncertain significance (2). Last evaluated 2025-12-29.

Conditions:
Hereditary cancer-predisposing syndrome. Also called: Hereditary Cancer Syndrome; Tumor predisposition; Neoplastic Syndromes, Hereditary; Hereditary neoplastic syndrome. Identifiers: Orphanet 140162, MedGen C0027672, MeSH D009386, MONDO:0015356.

Allele frequency attached by ClinVar (database versions not stated): gnomAD exomes below 0.00001.
gnomAD v4.1: 1 of 1,612,798 alleles (0.000062%); highest among the groups gnomAD compares: Admixed American, 0.0017%; no homozygotes.

Submissions (2):

Ambry Genetics
Classification: Uncertain significance for Hereditary cancer-predisposing syndrome. Last evaluated: 2025-12-29. Review status: criteria provided, single submitter. Criteria: Ambry Variant Classification Scheme 2023. Collection method: clinical testing. Allele origin: germline.
Comment: The p.R2016S variant (also known as c.6048G>T), located in coding exon 44 of the POLE gene, results from a G to T substitution at nucleotide position 6048. The arginine at codon 2016 is replaced by serine, an amino acid with dissimilar properties. This amino acid position is conserved. In addition, this alteration is predicted to be tolerated by in silico analysis. Based on the available evidence, the clinical significance of this variant remains unclear.

Labcorp Genetics (formerly Invitae), Labcorp
Classification: Uncertain significance. Last evaluated: 2022-09-15. Review status: criteria provided, single submitter. Criteria: Invitae Variant Classification Sherloc (09022015). Collection method: clinical testing. Allele origin: germline.
Comment: This sequence change replaces arginine, which is basic and polar, with serine, which is neutral and polar, at codon 2016 of the POLE protein (p.Arg2016Ser). This variant is present in population databases (no rsID available, gnomAD 0.003%). This variant has not been reported in the literature in individuals affected with POLE-related conditions. ClinVar contains an entry for this variant (Variation ID: 845980). Advanced modeling of protein sequence and biophysical properties (such as structural, functional, and spatial information, amino acid conservation, physicochemical variation, residue mobility, and thermodynamic stability) performed at Invitae indicates that this missense variant is not expected to disrupt POLE protein function. In summary, the available evidence is currently insufficient to determine the role of this variant in disease. Therefore, it has been classified as a Variant of Uncertain Significance.

NM_006231.4(POLE):c.6048G>T (p.Arg2016Ser)

Gene: POLE (DNA polymerase epsilon, catalytic subunit; minus strand). Cytogenetic location: 12q24.33.
Variant type: single nucleotide variant.
Coding change: c.6048G>T on transcript NM_006231.4 (MANE Select); coding-DNA position 6048, G replaced by T.
Protein change: p.Arg2016Ser; replaces arginine 2016 with serine.
Molecular consequence: missense variant.
Genome position (GRCh38, 1-based): chr12:132,632,752, C>A on the plus strand (G>T on the coding strand, the complement: POLE is on the minus strand). VCF-style: chr12-132632752-C-A. GRCh37 (hg19) VCF-style: chr12-133209338-C-A.
Other names: c.6048G>T (NM_006231.2); short protein forms R2016S.
Identifiers: ClinVar variation 845980 (VCV000845980.10), dbSNP rs1290140331, ClinGen allele CA387370762.